The following is an entry in ClinVar:

ClinVar aggregate classification (germline): Likely benign. Review status: criteria provided, multiple submitters, no conflicts (2 of 4 stars). 6 submissions from 6 submitters: Likely benign (4). 2 of the submissions do not count toward it. Last evaluated 2026-01-24.

Conditions:
Dyskeratosis congenita, autosomal dominant 1 (DKCA1). Also called: Dyskeratosis congenita Scoggins type. Identifiers: Orphanet 1775, MedGen C4551974, MONDO:0007485, OMIM 127550. Inheritance: Variable.
RTEL1-related disorder. Also called: RTEL1-related condition; RTEL1-related disorders.
Inborn genetic diseases. Identifiers: MedGen C0950123, MeSH D030342.
Dyskeratosis congenita. Identifiers: Orphanet 1775, MedGen C0265965, MONDO:0015780.
Pulmonary fibrosis and/or bone marrow failure, Telomere-related, 3. Also called: PULMONARY FIBROSIS AND/OR BONE MARROW FAILURE SYNDROME, TELOMERE-RELATED, 3. Identifiers: Orphanet 2032, MedGen C4225346, MONDO:0014613, OMIM 616373.
Dyskeratosis congenita, autosomal recessive 5 (DKCB5). Identifiers: MedGen C3554656, MONDO:0014076, OMIM 615190.

Allele frequency attached by ClinVar (database versions not stated): gnomAD exomes 0.00013; ExAC 0.00014; 1000 Genomes Project 30x 0.00016; 1000 Genomes Project 0.00020; gnomAD 0.00057 and 0.00062; TOPMed 0.00061; ESP Exome Variant Server 0.00070.
gnomAD v4.1: 149 of 1,612,340 alleles (0.0092%); highest among the groups gnomAD compares: African/African-American, 0.18%; no homozygotes.

Submissions (6):

Labcorp Genetics (formerly Invitae), Labcorp
Classification: Likely benign for Dyskeratosis congenita, autosomal recessive 5; Pulmonary fibrosis and/or bone marrow failure, Telomere-related, 3. Last evaluated: 2026-01-24. Review status: criteria provided, single submitter. Criteria: Invitae Variant Classification Sherloc (09022015). Collection method: clinical testing. Allele origin: germline.

Ambry Genetics
Classification: Likely benign for Inborn genetic diseases. Last evaluated: 2024-11-18. Review status: criteria provided, single submitter. Criteria: Ambry Variant Classification Scheme 2023. Collection method: clinical testing. Allele origin: germline.

Blueprint Genetics
Classification: Likely benign. Last evaluated: 2024-08-23. Review status: criteria provided, single submitter. Criteria: ACMG Guidelines, 2015. Collection method: clinical testing. Allele origin: germline.

Sema4
Classification: Likely benign for Dyskeratosis congenita. Last evaluated: 2021-03-13. Review status: criteria provided, single submitter. Criteria: Sema4 Curation Guidelines. Collection method: curation. Allele origin: germline.

Natera, Inc.
Classification: Likely benign for Autosomal dominant dyskeratosis congenita. Last evaluated: 2020-04-29. Review status: no assertion criteria provided. Collection method: clinical testing. Allele origin: germline. Not counted in ClinVar's aggregate classification.

PreventionGenetics, part of Exact Sciences
Classification: Likely benign for RTEL1-related condition. Last evaluated: 2019-08-06. Review status: no assertion criteria provided. Collection method: clinical testing. Allele origin: germline. Not counted in ClinVar's aggregate classification.
Comment: This variant is classified as likely benign based on ACMG/AMP sequence variant interpretation guidelines (Richards et al. 2015 PMID: 25741868, with internal and published modifications).

NM_001283009.2(RTEL1):c.3054C>G (p.Pro1018=)

Genes: RTEL1 (regulator of telomere elongation helicase 1; plus strand), RTEL1-TNFRSF6B (RTEL1-TNFRSF6B readthrough (NMD candidate); plus strand). Cytogenetic location: 20q13.33.
Variant type: single nucleotide variant.
Coding change: c.3054C>G on transcript NM_001283009.2 (MANE Select); coding-DNA position 3054, C replaced by G.
Protein change: p.Pro1018=; no amino-acid change (proline 1018 retained).
Molecular consequence: synonymous variant. On other transcripts: non-coding transcript variant (1).
Genome position (GRCh38, 1-based): chr20:63,694,433, C>G. VCF-style: chr20-63694433-C-G. GRCh37 (hg19) VCF-style: chr20-62325786-C-G.
Other names: c.2385C>G, p.Pro795= (NM_001283010.1); c.3054C>G, p.Pro1018= (NM_016434.4); c.3126C>G, p.Pro1042= (NM_032957.5).
Identifiers: ClinVar variation 734218 (VCV000734218.17), dbSNP rs147894642, ClinGen allele CA9965815.